The following is an entry in ClinVar:

ClinVar aggregate classification (germline): Uncertain significance. Review status: criteria provided, multiple submitters, no conflicts (2 of 4 stars). 3 submissions from 3 submitters: Uncertain significance (3). Last evaluated 2026-06-03.

Conditions:
Hereditary cancer-predisposing syndrome. Also called: Tumor predisposition; Hereditary neoplastic syndrome; Neoplastic Syndromes, Hereditary; Hereditary Cancer Syndrome. Identifiers: Orphanet 140162, MedGen C0027672, MeSH D009386, MONDO:0015356.
Tuberous sclerosis syndrome (TSC). Also called: Tuberous Sclerosis Complex; Tuberous sclerosis. Identifiers: Orphanet 805, MedGen C0041341, MONDO:0001734.
Tuberous sclerosis 1 (TSC1). Identifiers: Orphanet 805, MedGen C1854465, MONDO:0008612, OMIM 191100.

Allele frequency attached by ClinVar (database versions not stated): gnomAD exomes 0.00001.
gnomAD v4.1: 3 of 1,613,782 alleles (0.00019%); highest among the groups gnomAD compares: Non-Finnish European, 0.00025%; no homozygotes.

Submissions (3):

Ambry Genetics
Classification: Uncertain significance for Hereditary cancer-predisposing syndrome. Last evaluated: 2026-06-03. Review status: criteria provided, single submitter. Criteria: Ambry Variant Classification Scheme 2023. Collection method: clinical testing. Allele origin: germline.

All of Us Research Program, National Institutes of Health
Classification: Uncertain significance for Tuberous sclerosis syndrome. Last evaluated: 2024-02-05. Review status: criteria provided, single submitter. Criteria: ACMG Guidelines, 2015. Collection method: clinical testing. Allele origin: germline. Inheritance: Autosomal dominant inheritance. Observed: 1 variant allele, 1 heterozygote.
Comment: This missense variant replaces glutamine with histidine at codon 325 of the TSC1 protein. Computational prediction is inconclusive regarding the impact of this variant on protein structure and function (internally defined REVEL score threshold 0.5 < inconclusive < 0.7, PMID: 27666373). To our knowledge, functional studies have not been reported for this variant. This variant has not been reported in individuals affected with TSC1-related disorders in the literature. This variant has not been identified in the general population by the Genome Aggregation Database (gnomAD). The available evidence is insufficient to determine the role of this variant in disease conclusively. Therefore, this variant is classified as a Variant of Uncertain Significance.

This study involves interpretation of variants in research participants for the purpose of population health screening. Participant phenotype was not available at the time of variant classification. Additional details can be found in publication PMID: 35346344, PMCID: PMC8962531

Labcorp Genetics (formerly Invitae), Labcorp
Classification: Uncertain significance for Tuberous sclerosis 1. Last evaluated: 2023-05-10. Review status: criteria provided, single submitter. Criteria: Invitae Variant Classification Sherloc (09022015). Collection method: clinical testing. Allele origin: germline.
Comment: This sequence change replaces glutamine, which is neutral and polar, with histidine, which is basic and polar, at codon 325 of the TSC1 protein (p.Gln325His). This variant is not present in population databases (gnomAD no frequency). In summary, the available evidence is currently insufficient to determine the role of this variant in disease. Therefore, it has been classified as a Variant of Uncertain Significance. Advanced modeling of protein sequence and biophysical properties (such as structural, functional, and spatial information, amino acid conservation, physicochemical variation, residue mobility, and thermodynamic stability) performed at Invitae indicates that this missense variant is not expected to disrupt TSC1 protein function. ClinVar contains an entry for this variant (Variation ID: 466165). This variant has not been reported in the literature in individuals affected with TSC1-related conditions.

NM_000368.5(TSC1):c.975G>T (p.Gln325His)

Gene: TSC1 (TSC complex subunit 1; minus strand). Cytogenetic location: 9q34.13.
Variant type: single nucleotide variant.
Coding change: c.975G>T on transcript NM_000368.5 (MANE Select); coding-DNA position 975, G replaced by T.
Protein change: p.Gln325His; replaces glutamine 325 with histidine.
Molecular consequence: missense variant.
Genome position (GRCh38, 1-based): chr9:132,911,507, C>A on the plus strand (G>T on the coding strand, the complement: TSC1 is on the minus strand). VCF-style: chr9-132911507-C-A. GRCh37 (hg19) VCF-style: chr9-135786894-C-A.
Other names: c.975G>T, p.Gln325His (NM_001162426.2); c.822G>T, p.Gln274His (NM_001162427.2); c.612G>T, p.Gln204His (NM_001362177.2); short protein forms Q325H, Q204H, Q274H.
Identifiers: ClinVar variation 466165 (VCV000466165.12), dbSNP rs1554817398, ClinGen allele CA375368640.